The following is an entry in ClinVar:

ClinVar aggregate classification (germline): Likely pathogenic (1 of 4 stars; one submission).

Submission:

Mayo Clinic Laboratories, Mayo Clinic
Classification: Likely pathogenic. Last evaluated: 2024-03-06. Review status: criteria provided, single submitter. Criteria: ACMG Guidelines, 2015. Collection method: clinical testing. Allele origin: germline. Observed: 1 variant allele.
Comment: PP3, PM1_supporting, PM2_moderate, PM5

Literature cited by the submitters: PubMed 11140379; PubMed 25200405.

NM_000377.3(WAS):c.172C>T (p.Pro58Ser)

Gene: WAS (WASP actin nucleation promoting factor; plus strand). Cytogenetic location: Xp11.23.
Variant type: single nucleotide variant.
Coding change: c.172C>T on transcript NM_000377.3 (MANE Select); coding-DNA position 172, C replaced by T.
Protein change: p.Pro58Ser; replaces proline 58 with serine.
Molecular consequence: missense variant.
Genome position (GRCh38, 1-based): chrX:48,684,322, C>T. VCF-style: chrX-48684322-C-T. GRCh37 (hg19) VCF-style: chrX-48542711-C-T.
Other names: p.Pro58Ser; short protein forms P58S.
Identifiers: ClinVar variation 3380921 (VCV003380921.1).